The following is an entry in ClinVar:

ClinVar aggregate classification (germline): Conflicting classifications of pathogenicity. Review status: criteria provided, conflicting classifications (1 of 4 stars). 4 submissions from 4 submitters: Pathogenic (2); Likely pathogenic (1); Uncertain significance (1). Last evaluated 2026-04-21.

Conditions:
DEAF1-related disorder.
Inborn genetic diseases. Identifiers: MedGen C0950123, MeSH D030342.

Submissions (4):

GeneDx
Classification: Pathogenic. Last evaluated: 2026-04-21. Review status: criteria provided, single submitter. Criteria: GeneDx Variant Classification Process June 2021. Collection method: clinical testing. Allele origin: germline.
Comment: Published functional studies demonstrate a damaging effect: impaired transcriptional autorepression activity, suppressed transcriptional activation activity, and loss of binding to DEAF1 DNA consensus binding probes (PMID: 35981081); Not observed at significant frequency in large population cohorts (gnomAD); In silico analysis supports that this missense variant has a deleterious effect on protein structure/function; This variant is associated with the following publications: (PMID: 34800434, 38073621, 35981081, 33705764, 39172073)

Ambry Genetics
Classification: Likely pathogenic for Inborn genetic diseases. Last evaluated: 2026-01-02. Review status: criteria provided, single submitter. Criteria: Ambry Variant Classification Scheme 2023. Collection method: clinical testing. Allele origin: germline.
Comment: The c.825C>G (p.H275Q) alteration is located in exon 6 (coding exon 6) of the DEAF1 gene. This alteration results from a C to G substitution at nucleotide position 825, causing the histidine (H) at amino acid position 275 to be replaced by a glutamine (Q). for autosomal dominant Vulto-van Silfout-de Vries syndrome; however, its clinical significance for autosomal recessive DEAF1-related neurodevelopmental disorder is uncertain. This variant was not reported in population-based cohorts in the Genome Aggregation Database (gnomAD). This variant was determined to be de novo in at least one individual with features consistent with Vulto-van Silfout-de Vries syndrome (McGee, 2023). This amino acid position is highly conserved in available vertebrate species. The in silico prediction for this alteration is inconclusive. Based on the available evidence, this alteration is classified as likely pathogenic.

Greenwood Genetic Center Diagnostic Laboratories, Greenwood Genetic Center
Classification: Pathogenic for DEAF1-related disorder. Last evaluated: 2025-06-17. Review status: criteria provided, single submitter. Criteria: ACMG Guidelines, 2015. Collection method: clinical testing. Allele origin: germline. Affected: yes.
Comment: PS3, PS4_Moderate, PM2, PM6_Strong

CeGaT Center for Human Genetics Tuebingen
Classification: Uncertain significance. Last evaluated: 2019-08-01. Review status: criteria provided, single submitter. Criteria: CeGaT Center For Human Genetics Tuebingen Variant Classification Criteria Version 2. Collection method: clinical testing. Allele origin: germline. Affected: yes. Observed: 3 variant alleles.

Literature cited by the submitters: PubMed 35981081 (cited by Ambry Genetics).

NM_021008.4(DEAF1):c.825C>G (p.His275Gln)

Gene: DEAF1 (DEAF1 transcription factor; minus strand). Cytogenetic location: 11p15.5.
Variant type: single nucleotide variant.
Coding change: c.825C>G on transcript NM_021008.4 (MANE Select); coding-DNA position 825, C replaced by G.
Protein change: p.His275Gln; replaces histidine 275 with glutamine.
Molecular consequence: missense variant.
Genome position (GRCh38, 1-based): chr11:684,943, G>C on the plus strand (C>G on the coding strand, the complement: DEAF1 is on the minus strand). VCF-style: chr11-684943-G-C. GRCh37 (hg19) VCF-style: chr11-684943-G-C.
Other names: c.685C>G, p.Arg229Gly (NM_001293634.2); c.99C>G, p.His33Gln (NM_001367390.1); short protein forms H33Q, R229G, H275Q.
Identifiers: ClinVar variation 871449 (VCV000871449.44), dbSNP rs144498322, ClinGen allele CA378930187.